The following is an entry in ClinVar:

NM_001394966.1(NEK10):c.1028+1G>T

Gene: NEK10 (NIMA related kinase 10; minus strand). Cytogenetic location: 3p24.1.
Variant type: single nucleotide variant.
Coding change: c.1028+1G>T on transcript NM_001394966.1 (MANE Select); the canonical splice donor site of the intron after coding-DNA position 1028, G replaced by T.
Molecular consequence: splice donor variant.
Genome position (GRCh38, 1-based): chr3:27,304,746, C>A on the plus strand (G>T on the coding strand, the complement: NEK10 is on the minus strand). VCF-style: chr3-27304746-C-A. GRCh37 (hg19) VCF-style: chr3-27346237-C-A.
Other names: c.941+1G>T (NM_001394969.1, NM_001394967.1, NM_001394964.1); c.1028+1G>T (NM_001394965.1, NM_001394963.1, NM_001394970.1 and 4 more transcripts).
Identifiers: ClinVar variation 4891337 (VCV004891337.1).

ClinVar aggregate classification (germline): Likely pathogenic (1 of 4 stars; one submission).

gnomAD v4.1: 34 of 1,604,458 alleles (0.0021%); highest among the groups gnomAD compares: Non-Finnish European, 0.0028%; no homozygotes.

Submission:

GeneDx
Classification: Likely pathogenic. Last evaluated: 2026-02-03. Review status: criteria provided, single submitter. Criteria: GeneDx Variant Classification Process June 2021. Collection method: clinical testing. Allele origin: germline.
Comment: Canonical splice site variant predicted to result in an in-frame loss of the adjacent exon in a gene for which loss of function is a known mechanism of disease; Not observed at significant frequency in large population cohorts (gnomAD); This variant is associated with the following publications: (PMID: 35728977)